The following is an entry in ClinVar:

ClinVar aggregate classification (germline): Uncertain significance (1 of 4 stars; one submission).

Conditions:
Combined oxidative phosphorylation defect type 13. Also called: Combined oxidative phosphorylation deficiency 13. Identifiers: Orphanet 319514, MedGen C4706283, MONDO:0013977, OMIM 614932.

Submission:

Neuberg Centre For Genomic Medicine, NCGM
Classification: Uncertain significance for Combined oxidative phosphorylation defect type 13. Review status: criteria provided, single submitter. Criteria: ACMG Guidelines, 2015. Collection method: clinical testing. Allele origin: germline. Affected: yes.
Comment: The missense variant p.D166N in PNPT1 (NM_033109.5) has not been reported previously as a pathogenic variant nor as a benign variant, to our knowledge. The p.D166N variant is novel (not in any individuals) in gnomAD Exomes and is novel (not in any individuals) in 1000 Genomes. The p.D166N missense variant is predicted to be damaging by both SIFT and PolyPhen2. The aspartic acid residue at codon 166 of PNPT1 is conserved in all mammalian species. The nucleotide c.496 in PNPT1 is predicted conserved by GERP++ and PhyloP across 100 vertebrates. For these reasons, this variant has been classified as Uncertain Significance.

NM_033109.5(PNPT1):c.496G>A (p.Asp166Asn)

Gene: PNPT1 (polyribonucleotide nucleotidyltransferase 1; minus strand). Cytogenetic location: 2p16.1.
Variant type: single nucleotide variant.
Coding change: c.496G>A on transcript NM_033109.5 (MANE Select); coding-DNA position 496, G replaced by A.
Protein change: p.Asp166Asn; replaces aspartic acid 166 with asparagine.
Molecular consequence: missense variant.
Genome position (GRCh38, 1-based): chr2:55,680,876, C>T on the plus strand (G>A on the coding strand, the complement: PNPT1 is on the minus strand). VCF-style: chr2-55680876-C-T. GRCh37 (hg19) VCF-style: chr2-55908011-C-T.
Other names: short protein forms D166N.
Identifiers: ClinVar variation 1339063 (VCV001339063.2), dbSNP rs2104157202, ClinGen allele CA346938887.
Genomic context (GRCh38, chr2:55,680,876, plus strand): 5'-TTTTAATCTGATAATTTTAATCTCTACTTTTATACTTACCGCCATTAATTGCTAGGACAT[C>T]AGGCTCATTTACACCATCTACTGCTAACAGATTACACAGAACCTGGTAAAAGGGAAAAAA-3'
Protein context (NP_149100.2, residues 156-176): LLAVDGVNEP[Asp166Asn]VLAINGASVA